The following is an entry in ClinVar:

NM_152743.4(BRAT1):c.181C>T (p.His61Tyr)

Gene: BRAT1 (BRCA1 associated ATM activator 1; minus strand). Cytogenetic location: 7p22.3.
Variant type: single nucleotide variant.
Coding change: c.181C>T on transcript NM_152743.4 (MANE Select); coding-DNA position 181, C replaced by T.
Protein change: p.His61Tyr; replaces histidine 61 with tyrosine.
Molecular consequence: missense variant. On other transcripts: 5 prime UTR variant (1), non-coding transcript variant (1).
Genome position (GRCh38, 1-based): chr7:2,547,425, G>A on the plus strand (C>T on the coding strand, the complement: BRAT1 is on the minus strand). VCF-style: chr7-2547425-G-A. GRCh37 (hg19) VCF-style: chr7-2587059-G-A.
Other names: c.181C>T, p.His61Tyr (NM_001350626.2); c.-197C>T (NM_001350627.2); short protein forms H61Y.
Identifiers: ClinVar variation 2827856 (VCV002827856.3), dbSNP rs1470797331, ClinGen allele CA366633274.
Genomic context (GRCh38, chr7:2,547,425, plus strand): 5'-CTGCCAGGCGCAGTGAGAAGGAGAGGACCCCAGAACTCAGGTCCTGGACTTTCAGCACAT[G>A]GGACAGCAGCTCCACCAGGCAGGGGTGCTCCTGCAGCAGCACGACACTGGACTCTGTGGG-3'
Protein context (NP_689956.2, residues 51-71): EHPCLVELLS[His61Tyr]VLKVQDLSSG

ClinVar aggregate classification (germline): Uncertain significance (1 of 4 stars; one submission).

Conditions:
Neonatal-onset encephalopathy with rigidity and seizures. Also called: Lethal neonatal spasticity-epileptic encephalopathy syndrome. Identifiers: Orphanet 435845, MedGen C3281029, MONDO:0013784, OMIM 614498.

Allele frequency attached by ClinVar (database versions not stated): gnomAD exomes below 0.00001.
gnomAD v4.1: 1 of 1,614,088 alleles (0.000062%); highest among the groups gnomAD compares: South Asian, 0.0011%; no homozygotes.

Submission:

Labcorp Genetics (formerly Invitae), Labcorp
Classification: Uncertain significance for Neonatal-onset encephalopathy with rigidity and seizures. Last evaluated: 2023-01-12. Review status: criteria provided, single submitter. Criteria: Invitae Variant Classification Sherloc (09022015). Collection method: clinical testing. Allele origin: germline.
Comment: Advanced modeling of protein sequence and biophysical properties (such as structural, functional, and spatial information, amino acid conservation, physicochemical variation, residue mobility, and thermodynamic stability) has been performed at Invitae for this missense variant, however the output from this modeling did not meet the statistical confidence thresholds required to predict the impact of this variant on BRAT1 protein function. In summary, the available evidence is currently insufficient to determine the role of this variant in disease. Therefore, it has been classified as a Variant of Uncertain Significance. This variant has not been reported in the literature in individuals affected with BRAT1-related conditions. This variant is present in population databases (no rsID available, gnomAD 0.003%). This sequence change replaces histidine, which is basic and polar, with tyrosine, which is neutral and polar, at codon 61 of the BRAT1 protein (p.His61Tyr).